The following is an entry in ClinVar:

ClinVar aggregate classification (germline): Uncertain significance (1 of 4 stars; one submission).

Submission:

GeneDx
Classification: Uncertain significance. Last evaluated: 2022-12-14. Review status: criteria provided, single submitter. Criteria: GeneDx Variant Classification Process June 2021. Collection method: clinical testing. Allele origin: germline. Affected: yes.
Comment: Not observed at significant frequency in large population cohorts (gnomAD); In silico analysis supports that this missense variant has a deleterious effect on protein structure/function; Has not been previously published as pathogenic or benign to our knowledge

NM_197968.4(ZMYM2):c.1208C>T (p.Thr403Ile)

Gene: ZMYM2 (zinc finger MYM-type containing 2; plus strand). Cytogenetic location: 13q12.11.
Variant type: single nucleotide variant.
Coding change: c.1208C>T on transcript NM_197968.4 (MANE Select); coding-DNA position 1208, C replaced by T.
Protein change: p.Thr403Ile; replaces threonine 403 with isoleucine.
Molecular consequence: missense variant. On other transcripts: non-coding transcript variant (1).
Genome position (GRCh38, 1-based): chr13:20,005,148, C>T. VCF-style: chr13-20005148-C-T. GRCh37 (hg19) VCF-style: chr13-20579288-C-T.
Other names: c.1208C>T, p.Thr403Ile (NM_001190964.4, NM_001190965.4, NM_001353157.2 and 5 more transcripts); c.1013C>T, p.Thr338Ile (NM_001353161.3); c.947C>T, p.Thr316Ile (NM_001353163.2); short protein forms T316I, T338I, T403I.
Identifiers: ClinVar variation 2505678 (VCV002505678.1), dbSNP rs2502314799, ClinGen allele CA387670288.